The following is an entry in ClinVar:

NM_006031.6(PCNT):c.9244C>T (p.His3082Tyr)

Gene: PCNT (pericentrin; plus strand). Cytogenetic location: 21q22.3.
Variant type: single nucleotide variant.
Coding change: c.9244C>T on transcript NM_006031.6 (MANE Select); coding-DNA position 9244, C replaced by T.
Protein change: p.His3082Tyr; replaces histidine 3082 with tyrosine.
Molecular consequence: missense variant.
Genome position (GRCh38, 1-based): chr21:46,438,308, C>T. VCF-style: chr21-46438308-C-T. GRCh37 (hg19) VCF-style: chr21-47858221-C-T.
Other names: c.8653C>T, p.His2885Tyr (NM_001315529.2); short protein forms H3082Y, H2885Y.
Identifiers: ClinVar variation 4983262 (VCV004983262.1).

ClinVar aggregate classification (germline): Uncertain significance (1 of 4 stars; one submission).

Conditions:
PCNT-related disorder. Also called: PCNT-related condition.

Submission:

PreventionGenetics, part of Exact Sciences
Classification: Uncertain significance for PCNT-related condition. Last evaluated: 2025-12-17. Review status: criteria provided, single submitter. Criteria: ACMG Guidelines, 2015. Collection method: clinical testing. Allele origin: germline.
Comment: The PCNT c.9244C>T variant is predicted to result in the amino acid substitution p.His3082Tyr. To our knowledge, this variant has not been reported in the literature or in a large population database (gnomAD), indicating this variant is rare. At this time, the clinical significance of this variant is uncertain due to the absence of conclusive functional and genetic evidence.